The following is an entry in ClinVar:

NM_020631.6(PLEKHG5):c.1778_1784del (p.Met593fs)

Gene: PLEKHG5 (pleckstrin homology and RhoGEF domain containing G5; minus strand). Cytogenetic location: 1p36.31.
Variant type: Deletion.
Coding change: c.1778_1784del on transcript NM_020631.6 (MANE Select); coding-DNA positions 1778 to 1784, 7 bases deleted (TGAAGGA; older notation c.1778_1784delTGAAGGA).
Protein change: p.Met593fs; shifts the reading frame from methionine 593.
Molecular consequence: frameshift variant.
Genome position (GRCh38, 1-based): chr1:6,470,252-6,470,258, TCCTTCA deleted on the plus strand (TGAAGGA on the coding strand, the reverse complement: PLEKHG5 is on the minus strand); deleting any 7 consecutive bases within chr1:6,470,252-6,470,262 gives the same sequence; the c. name uses the placement nearest the transcript's 3' end. VCF-style (leftmost placement, unchanged base first): chr1-6470251-CTCCTTCA-C. GRCh37 (hg19) VCF-style: chr1-6530311-CTCCTTCA-C.
Other names: c.1889_1895del, p.Met630fs (NM_001042663.3, NM_001265592.2); c.1778_1784del, p.Met593fs (NM_001042664.2, NM_001042665.2, NM_001265594.3 and 1 more transcripts); c.1985_1991del, p.Met662fs (NM_001265593.2); short protein forms M593fs, M662fs, M630fs.
Identifiers: ClinVar variation 4793049 (VCV004793049.1).

ClinVar aggregate classification (germline): Pathogenic (1 of 4 stars; one submission).

Conditions:
Charcot-Marie-Tooth disease recessive intermediate C. Also called: CHARCOT-MARIE-TOOTH NEUROPATHY, RECESSIVE INTERMEDIATE C. Identifiers: Orphanet 369867, MedGen C3809309, MONDO:0014154, OMIM 615376.
Neuronopathy, distal hereditary motor, autosomal recessive 4. Also called: Autosomal recessive lower motor neuron disease with childhood onset; NEUROPATHY, DISTAL HEREDITARY MOTOR, AUTOSOMAL RECESSIVE 4. Identifiers: Orphanet 206580, MedGen C1970211, MONDO:0012608, OMIM 611067.

Submission:

Labcorp Genetics (formerly Invitae), Labcorp
Classification: Pathogenic for Neuronopathy, distal hereditary motor, autosomal recessive 4; Charcot-Marie-Tooth disease recessive intermediate C. Last evaluated: 2025-12-31. Review status: criteria provided, single submitter. Criteria: Invitae Variant Classification Sherloc (09022015). Collection method: clinical testing. Allele origin: germline.
Comment: This sequence change creates a premature translational stop signal (p.Met593Argfs*20) in the PLEKHG5 gene. It is expected to result in an absent or disrupted protein product. Loss-of-function variants in PLEKHG5 are known to be pathogenic (PMID: 17564964, 23777631). This variant is present in population databases (no rsID available, gnomAD 0.01%). This variant has not been reported in the literature in individuals affected with PLEKHG5-related conditions. For these reasons, this variant has been classified as Pathogenic.

Literature cited by the submitters: PubMed 17564964; PubMed 23777631.